The following is an entry in ClinVar:

NM_000080.4(CHRNE):c.664A>T (p.Thr222Ser)

Genes: C17orf107 (chromosome 17 open reading frame 107; plus strand), CHRNE (cholinergic receptor nicotinic epsilon subunit; minus strand). Cytogenetic location: 17p13.2.
Variant type: single nucleotide variant.
Coding change: c.664A>T on transcript NM_000080.4 (MANE Select); coding-DNA position 664, A replaced by T.
Protein change: p.Thr222Ser; replaces threonine 222 with serine.
Molecular consequence: missense variant. On other transcripts: 3 prime UTR variant (1).
Genome position (GRCh38, 1-based): chr17:4,901,128, T>A on the plus strand (A>T on the coding strand, the complement: CHRNE is on the minus strand). VCF-style: chr17-4901128-T-A. GRCh37 (hg19) VCF-style: chr17-4804423-T-A.
Other names: c.*595T>A (NM_001145536.2); short protein forms T222S.
Identifiers: ClinVar variation 4692287 (VCV004692287.1).

ClinVar aggregate classification (germline): Uncertain significance (1 of 4 stars; one submission).

Conditions:
Congenital myasthenic syndrome 4A. Also called: CONGENITAL MYASTHENIC SYNDROME TYPE Ia1; Myasthenic syndrome, congenital, 4a, slow-channel; MYASTHENIC SYNDROME, CONGENITAL, 4A, SLOW-CHANNEL, AUTOSOMAL RECESSIVE. Identifiers: Orphanet 590, MedGen C4225413, MONDO:0011600, OMIM 605809.

gnomAD v4.1: 2 of 1,612,642 alleles (0.00012%); highest among the groups gnomAD compares: African/African-American, 0.0027%; no homozygotes.

Submission:

Labcorp Genetics (formerly Invitae), Labcorp
Classification: Uncertain significance for Congenital myasthenic syndrome 4A. Last evaluated: 2025-05-14. Review status: criteria provided, single submitter. Criteria: Invitae Variant Classification Sherloc (09022015). Collection method: clinical testing. Allele origin: germline.
Comment: This sequence change replaces threonine, which is neutral and polar, with serine, which is neutral and polar, at codon 222 of the CHRNE protein (p.Thr222Ser). This variant is present in population databases (no rsID available, gnomAD 0.007%). This variant has not been reported in the literature in individuals affected with CHRNE-related conditions. Invitae Evidence Modeling of protein sequence and biophysical properties (such as structural, functional, and spatial information, amino acid conservation, physicochemical variation, residue mobility, and thermodynamic stability) indicates that this missense variant is not expected to disrupt CHRNE protein function with a negative predictive value of 95%. In summary, the available evidence is currently insufficient to determine the role of this variant in disease. Therefore, it has been classified as a Variant of Uncertain Significance.